The following is an entry in ClinVar:

ClinVar aggregate classification (germline): Uncertain significance (1 of 4 stars; one submission).

Conditions:
Bethlem myopathy 1A. Also called: MYOPATHY, BENIGN CONGENITAL, WITH CONTRACTURES; Bethlem Muscular Dystrophy; Bethlem myopathy 1. Identifiers: Orphanet 610, MedGen CN029274, MONDO:0024530, OMIM 158810.

Allele frequency attached by ClinVar (database versions not stated): gnomAD exomes 0.00002; ExAC 0.00004.
gnomAD v4.1: 4 of 1,606,578 alleles (0.00025%); highest among the groups gnomAD compares: Admixed American, 0.0067%; no homozygotes.

Submission:

Labcorp Genetics (formerly Invitae), Labcorp
Classification: Uncertain significance for Bethlem myopathy 1A. Last evaluated: 2021-09-20. Review status: criteria provided, single submitter. Criteria: Invitae Variant Classification Sherloc (09022015). Collection method: clinical testing. Allele origin: germline.
Comment: This sequence change replaces alanine with glycine at codon 927 of the COL6A2 protein (p.Ala927Gly). The alanine residue is weakly conserved and there is a small physicochemical difference between alanine and glycine. Advanced modeling of protein sequence and biophysical properties (such as structural, functional, and spatial information, amino acid conservation, physicochemical variation, residue mobility, and thermodynamic stability) performed at Invitae indicates that this missense variant is not expected to disrupt COL6A2 protein function. This variant is present in population databases (rs11554668, ExAC 0.04%). This variant has not been reported in the literature in individuals affected with COL6A2-related conditions. In summary, the available evidence is currently insufficient to determine the role of this variant in disease. Therefore, it has been classified as a Variant of Uncertain Significance.

NM_001849.4(COL6A2):c.2780C>G (p.Ala927Gly)

Gene: COL6A2 (collagen type VI alpha 2 chain; plus strand). Cytogenetic location: 21q22.3.
Variant type: single nucleotide variant.
Coding change: c.2780C>G on transcript NM_001849.4 (MANE Select); coding-DNA position 2780, C replaced by G.
Protein change: p.Ala927Gly; replaces alanine 927 with glycine.
Molecular consequence: missense variant.
Genome position (GRCh38, 1-based): chr21:46,132,272, C>G. VCF-style: chr21-46132272-C-G. GRCh37 (hg19) VCF-style: chr21-47552186-C-G.
Other names: short protein forms A927G.
Identifiers: ClinVar variation 1438966 (VCV001438966.6), dbSNP rs11554668, ClinGen allele CA10073019.